The following is an entry in ClinVar:

NM_024757.5(EHMT1):c.2016C>T (p.Gly672=)

Gene: EHMT1 (euchromatic histone lysine methyltransferase 1; plus strand). Cytogenetic location: 9q34.3.
Variant type: single nucleotide variant.
Coding change: c.2016C>T on transcript NM_024757.5 (MANE Select); coding-DNA position 2016, C replaced by T.
Protein change: p.Gly672=; no amino-acid change (glycine 672 retained).
Molecular consequence: synonymous variant.
Genome position (GRCh38, 1-based): chr9:137,776,842, C>T. VCF-style: chr9-137776842-C-T. GRCh37 (hg19) VCF-style: chr9-140671294-C-T.
Other names: c.2016C>T, p.Gly672= (NM_001145527.2); c.1923C>T, p.Gly641= (NM_001354259.2); c.1995C>T, p.Gly665= (NM_001354263.2).
Identifiers: ClinVar variation 1306638 (VCV001306638.2), dbSNP rs2136686978, ClinGen allele CA467874168.

ClinVar aggregate classification (germline): Uncertain significance (1 of 4 stars; one submission).

Submission:

GeneDx
Classification: Uncertain significance. Last evaluated: 2020-06-02. Review status: criteria provided, single submitter. Criteria: GeneDx Variant Classification Process June 2021. Collection method: clinical testing. Allele origin: germline. Affected: yes.
Comment: Not observed in large population cohorts (Lek et al., 2016); Has not been previously published as pathogenic or benign to our knowledge; In silico analysis, which includes splice predictors and evolutionary conservation, suggests this variant may impact gene splicing. In the absence of RNA/functional studies, the actual effect of this sequence change is unknown.